The following is an entry in ClinVar:

ClinVar aggregate classification (germline): Benign/Likely benign. Review status: criteria provided, multiple submitters, no conflicts (2 of 4 stars). 6 submissions from 6 submitters: Benign (4); Likely benign (1). 1 of the submissions does not count toward it. Last evaluated 2026-01-12.

Conditions:
Early-infantile DEE. Also called: Early infantile epileptic encephalopathy with suppression bursts; Early infantile epileptic encephalopathy; Ohtahara syndrome. Identifiers: Orphanet 1934, MedGen C0393706, MONDO:0800491.
Developmental and epileptic encephalopathy, 5 (DEE5). Identifiers: Orphanet 3451, MedGen C3150731, MONDO:0013277, OMIM 613477.

Allele frequency attached by ClinVar (database versions not stated): gnomAD exomes 0.00008 and 0.00019; ExAC 0.00025; gnomAD 0.00075 and 0.00078; TOPMed 0.00090; ESP Exome Variant Server 0.00108; 1000 Genomes Project 30x 0.00156; 1000 Genomes Project 0.00180.
gnomAD v4.1: 250 of 1,614,144 alleles (0.015%); highest among the groups gnomAD compares: African/African-American, 0.27%; no homozygotes.

Submissions (6):

Labcorp Genetics (formerly Invitae), Labcorp
Classification: Benign for Early-infantile DEE. Last evaluated: 2026-01-12. Review status: criteria provided, single submitter. Criteria: Invitae Variant Classification Sherloc (09022015). Collection method: clinical testing. Allele origin: germline.

Blueprint Genetics
Classification: Likely benign. Last evaluated: 2024-10-22. Review status: criteria provided, single submitter. Criteria: ACMG Guidelines, 2015. Collection method: clinical testing. Allele origin: germline.

Genome-Nilou Lab
Classification: Benign for Developmental and epileptic encephalopathy, 5. Last evaluated: 2021-07-15. Review status: criteria provided, single submitter. Criteria: ACMG Guidelines, 2015. Collection method: clinical testing. Allele origin: germline. Affected: no.

Eurofins Ntd Llc (ga)
Classification: Benign. Last evaluated: 2015-09-28. Review status: criteria provided, single submitter. Criteria: EGL Classification Definitions 2015. Collection method: clinical testing. Allele origin: germline. Observed: 1 variant allele, 1 heterozygote.

GeneDx
Classification: Benign. Last evaluated: 2014-10-21. Review status: criteria provided, single submitter. Criteria: GeneDx Variant Classification (06012015). Collection method: clinical testing. Allele origin: germline. Affected: yes.
Comment: This variant is considered likely benign or benign based on one or more of the following criteria: it is a conservative change, it occurs at a poorly conserved position in the protein, it is predicted to be benign by multiple in silico algorithms, and/or has population frequency not consistent with disease.

Genetic Services Laboratory, University of Chicago
Classification: Likely benign. Review status: no assertion criteria provided. Collection method: clinical testing. Allele origin: germline. Inheritance: Autosomal dominant inheritance. Not counted in ClinVar's aggregate classification.
Comment: Likely benign based on allele frequency in 1000 Genomes Project or ESP global frequency and its presence in a patient with a rare or unrelated disease phenotype. NOT Sanger confirmed

NM_001130438.3(SPTAN1):c.6960-8T>C

Gene: SPTAN1 (spectrin alpha, non-erythrocytic 1; plus strand). Cytogenetic location: 9q34.11.
Variant type: single nucleotide variant.
Coding change: c.6960-8T>C on transcript NM_001130438.3 (MANE Select); 8 bases into the intron before coding-DNA position 6960, T replaced by C.
Molecular consequence: intron variant.
Genome position (GRCh38, 1-based): chr9:128,632,423, T>C. VCF-style: chr9-128632423-T-C. GRCh37 (hg19) VCF-style: chr9-131394702-T-C.
Other names: c.7023-8T>C (NM_001363759.2); c.6945-8T>C (NM_003127.4); c.6900-8T>C (NM_001363765.2); c.6885-8T>C (NM_001195532.2).
Identifiers: ClinVar variation 160029 (VCV000160029.22), dbSNP rs140241053, ClinGen allele CA295193.